The following is an entry in ClinVar:

NM_170601.5(SIAE):c.230-1G>A

Gene: SIAE (sialic acid acetylesterase; minus strand). Cytogenetic location: 11q24.2.
Variant type: single nucleotide variant.
Coding change: c.230-1G>A on transcript NM_170601.5 (MANE Select); the canonical splice acceptor site of the intron before coding-DNA position 230, G replaced by A.
Molecular consequence: splice acceptor variant.
Genome position (GRCh38, 1-based): chr11:124,660,804, C>T on the plus strand (G>A on the coding strand, the complement: SIAE is on the minus strand). VCF-style: chr11-124660804-C-T. GRCh37 (hg19) VCF-style: chr11-124530700-C-T.
Other names: c.125-1G>A (NM_001199922.2).
Identifiers: ClinVar variation 1970714 (VCV001970714.5), dbSNP rs763314487, ClinGen allele CA383121167.

ClinVar aggregate classification (germline): Uncertain significance (1 of 4 stars; one submission).

Submission:

Labcorp Genetics (formerly Invitae), Labcorp
Classification: Uncertain significance. Last evaluated: 2022-07-14. Review status: criteria provided, single submitter. Criteria: Invitae Variant Classification Sherloc (09022015). Collection method: clinical testing. Allele origin: germline.
Comment: This sequence change affects an acceptor splice site in intron 2 of the SIAE gene. It is expected to disrupt RNA splicing. Variants that disrupt the donor or acceptor splice site typically lead to a loss of protein function (PMID: 16199547), however the current clinical and genetic evidence is not sufficient to establish whether loss-of-function variants in SIAE cause disease. This variant is not present in population databases (gnomAD no frequency). In summary, the available evidence is currently insufficient to determine the role of this variant in disease. Therefore, it has been classified as a Variant of Uncertain Significance. Algorithms developed to predict the effect of sequence changes on RNA splicing suggest that this variant may disrupt the consensus splice site. This variant has not been reported in the literature in individuals affected with SIAE-related conditions.

Literature cited by the submitters: PubMed 16199547.